The following is an entry in ClinVar:

ClinVar aggregate classification (germline): Uncertain significance (1 of 4 stars; one submission).

Conditions:
Inborn genetic diseases. Identifiers: MedGen C0950123, MeSH D030342.

Allele frequency attached by ClinVar (database versions not stated): TOPMed below 0.00001; gnomAD exomes 0.00001.

Submission:

Ambry Genetics
Classification: Uncertain significance for Inborn genetic diseases. Last evaluated: 2021-01-13. Review status: criteria provided, single submitter. Criteria: Ambry Variant Classification Scheme 2023. Collection method: clinical testing. Allele origin: germline.
Comment: The p.K131E variant (also known as c.391A>G), located in coding exon 2 of the PRDM12 gene, results from an A to G substitution at nucleotide position 391. The lysine at codon 131 is replaced by glutamic acid, an amino acid with similar properties. This amino acid position is highly conserved in available vertebrate species. In addition, the in silico prediction for this alteration is inconclusive. Since supporting evidence is limited at this time, the clinical significance of this alteration remains unclear.

NM_021619.3(PRDM12):c.391A>G (p.Lys131Glu)

Genes: PRDM12 (PR/SET domain 12; plus strand), LOC126860775 (CDK7 strongly-dependent group 2 enhancer GRCh37_chr9:133541982-133543181; plus strand). Cytogenetic location: 9q34.12.
Variant type: single nucleotide variant.
Coding change: c.391A>G on transcript NM_021619.3 (MANE Select); coding-DNA position 391, A replaced by G.
Protein change: p.Lys131Glu; replaces lysine 131 with glutamic acid.
Molecular consequence: missense variant.
Genome position (GRCh38, 1-based): chr9:130,666,775, A>G. VCF-style: chr9-130666775-A-G. GRCh37 (hg19) VCF-style: chr9-133542162-A-G.
Other names: short protein forms K131E.
Identifiers: ClinVar variation 1736171 (VCV001736171.2), dbSNP rs1184031990, ClinGen allele CA375246702.